The following is an entry in ClinVar:

NM_152383.5(DIS3L2):c.2575C>T (p.Arg859Trp)

Gene: DIS3L2 (DIS3 like 3'-5' exoribonuclease 2; plus strand). Cytogenetic location: 2q37.1.
Variant type: single nucleotide variant.
Coding change: c.2575C>T on transcript NM_152383.5 (MANE Select); coding-DNA position 2575, C replaced by T.
Protein change: p.Arg859Trp; replaces arginine 859 with tryptophan.
Molecular consequence: missense variant. On other transcripts: non-coding transcript variant (2), intron variant (1).
Genome position (GRCh38, 1-based): chr2:232,336,547, C>T. VCF-style: chr2-232336547-C-T. GRCh37 (hg19) VCF-style: chr2-233201257-C-T.
Other names: c.1582-6798C>T (NM_001257281.2); short protein forms R859W.
Identifiers: ClinVar variation 1043350 (VCV001043350.8), dbSNP rs756617073, ClinGen allele CA2164614.

ClinVar aggregate classification (germline): Uncertain significance (1 of 4 stars; one submission).

Conditions:
Perlman syndrome (PRLMNS). Identifiers: Orphanet 2849, MedGen C0796113, MONDO:0009965, OMIM 267000.

Allele frequency attached by ClinVar (database versions not stated): ExAC 0.00001; gnomAD exomes 0.00001; TOPMed 0.00001.
gnomAD v4.1: 8 of 1,609,918 alleles (0.0005%); highest among the groups gnomAD compares: East Asian, 0.0022%; no homozygotes.

Submission:

Labcorp Genetics (formerly Invitae), Labcorp
Classification: Uncertain significance for Perlman syndrome. Last evaluated: 2021-12-27. Review status: criteria provided, single submitter. Criteria: Invitae Variant Classification Sherloc (09022015). Collection method: clinical testing. Allele origin: germline.
Comment: In summary, the available evidence is currently insufficient to determine the role of this variant in disease. Therefore, it has been classified as a Variant of Uncertain Significance. Algorithms developed to predict the effect of missense changes on protein structure and function are either unavailable or do not agree on the potential impact of this missense change (SIFT: "Deleterious"; PolyPhen-2: "Benign"; Align-GVGD: "Class C0"). ClinVar contains an entry for this variant (Variation ID: 1043350). This variant has not been reported in the literature in individuals affected with DIS3L2-related conditions. This variant is present in population databases (rs756617073, gnomAD 0.006%). This sequence change replaces arginine, which is basic and polar, with tryptophan, which is neutral and slightly polar, at codon 859 of the DIS3L2 protein (p.Arg859Trp).